The following is an entry in ClinVar:

NM_020989.4(CRYGC):c.317G>A (p.Ser106Asn)

Genes: CRYGC (crystallin gamma C; minus strand), LOC100507443 (uncharacterized LOC100507443; plus strand). Cytogenetic location: 2q33.3.
Variant type: single nucleotide variant.
Coding change: c.317G>A on transcript NM_020989.4 (MANE Select); coding-DNA position 317, G replaced by A.
Protein change: p.Ser106Asn; replaces serine 106 with asparagine.
Molecular consequence: missense variant.
Genome position (GRCh38, 1-based): chr2:208,128,411, C>T on the plus strand (G>A on the coding strand, the complement: CRYGC is on the minus strand). VCF-style: chr2-208128411-C-T. GRCh37 (hg19) VCF-style: chr2-208993135-C-T.
Other names: short protein forms S106N.
Identifiers: ClinVar variation 701962 (VCV000701962.38), dbSNP rs149859061, ClinGen allele CA2077864.

ClinVar aggregate classification (germline): Benign/Likely benign. Review status: criteria provided, multiple submitters, no conflicts (2 of 4 stars). 4 submissions from 4 submitters: Benign (2); Likely benign (2). Last evaluated 2026-09-15.

Conditions:
CRYGC-related disorder. Also called: CRYGC-related condition.
Nuclear pulverulent cataract (CTRCT2). Identifiers: MedGen C1852438, HP:0010698.

Allele frequency attached by ClinVar (database versions not stated): 1000 Genomes Project 30x 0.00125; 1000 Genomes Project 0.00140; TOPMed 0.00241; ESP Exome Variant Server 0.00284; gnomAD exomes 0.00349 and 0.00382; gnomAD 0.00358 and 0.00366; ExAC 0.00362.

Submissions (4):

PreventionGenetics, part of Exact Sciences
Classification: Benign for CRYGC-related condition. Last evaluated: 2026-09-15. Review status: criteria provided, single submitter. Criteria: ACMG Guidelines, 2015. Collection method: clinical testing. Allele origin: germline.
Comment: This variant is classified as benign based on ACMG/AMP sequence variant interpretation guidelines (Richards et al. 2015 PMID: 25741868, with internal and published modifications).

Labcorp Genetics (formerly Invitae), Labcorp
Classification: Benign for Nuclear pulverulent cataract. Last evaluated: 2025-12-27. Review status: criteria provided, single submitter. Criteria: Invitae Variant Classification Sherloc (09022015). Collection method: clinical testing. Allele origin: germline.

CeGaT Center for Human Genetics Tuebingen
Classification: Likely benign. Last evaluated: 2025-07-01. Review status: criteria provided, single submitter. Criteria: CeGaT Center For Human Genetics Tuebingen Variant Classification Criteria Version 2. Collection method: clinical testing. Allele origin: germline. Affected: yes. Observed: 3 variant alleles.
Comment: CRYGC: BP4, BS2

GeneDx
Classification: Likely benign. Last evaluated: 2021-06-22. Review status: criteria provided, single submitter. Criteria: GeneDx Variant Classification Process June 2021. Collection method: clinical testing. Allele origin: germline. Affected: yes.